The following is an entry in ClinVar:

NM_015158.5(KANK1):c.3006G>A (p.Gly1002=)

Gene: KANK1 (KN motif and ankyrin repeat domains 1; plus strand). Cytogenetic location: 9p24.3.
Variant type: single nucleotide variant.
Coding change: c.3006G>A on transcript NM_015158.5 (MANE Select); coding-DNA position 3006, G replaced by A.
Protein change: p.Gly1002=; no amino-acid change (glycine 1002 retained).
Molecular consequence: synonymous variant. On other transcripts: intron variant (5).
Genome position (GRCh38, 1-based): chr9:732,378, G>A. VCF-style: chr9-732378-G-A. GRCh37 (hg19) VCF-style: chr9-732378-G-A.
Other names: c.3006G>A, p.Gly1002= (NM_001256876.3, NM_001256877.3, NM_001354334.2); c.2952G>A, p.Gly984= (NM_001354332.2); c.2532G>A, p.Gly844= (NM_001354333.2, NM_001354335.2, NM_001354337.2 and 2 more transcripts); c.2478G>A, p.Gly826= (NM_001354338.2, NM_001354340.2, NM_001354344.2); c.3005+1112G>A (NM_001354331.2); c.2477+1112G>A (NM_001354336.2); c.2531+1112G>A (NM_001354339.2, NM_001354343.2, NM_001354342.2).
Identifiers: ClinVar variation 3682000 (VCV003682000.2).

ClinVar aggregate classification (germline): Uncertain significance (1 of 4 stars; one submission).

gnomAD v4.1: 1 of 1,608,304 alleles (0.000062%); highest among the groups gnomAD compares: Non-Finnish European, 0.000085%; no homozygotes.

Submission:

Labcorp Genetics (formerly Invitae), Labcorp
Classification: Uncertain significance. Last evaluated: 2024-09-06. Review status: criteria provided, single submitter. Criteria: Invitae Variant Classification Sherloc (09022015). Collection method: clinical testing. Allele origin: germline.
Comment: This sequence change affects codon 1002 of the KANK1 mRNA. It is a 'silent' change, meaning that it does not change the encoded amino acid sequence of the KANK1 protein. It affects a nucleotide within the consensus splice site. This variant is not present in population databases (gnomAD no frequency). This variant has not been reported in the literature in individuals affected with KANK1-related conditions. Algorithms developed to predict the effect of sequence changes on RNA splicing suggest that this variant is not likely to affect RNA splicing. In summary, the available evidence is currently insufficient to determine the role of this variant in disease. Therefore, it has been classified as a Variant of Uncertain Significance.